The following is an entry in ClinVar:

ClinVar aggregate classification (germline): Likely pathogenic. Review status: reviewed by expert panel (3 of 4 stars). 2 submissions from 2 submitters: Likely pathogenic (1). 1 of the submissions does not count toward it. Last evaluated 2025-05-19.

Conditions:
Juvenile retinoschisis (RS1). Also called: X-Linked Juvenile Retinoschisis; X-linked retinoschisis. Identifiers: Orphanet 792, MedGen C3714753, MONDO:0010725, OMIM 312700.

Submissions (2):

ClinGen X-linked Inherited Retinal Disease Variant Curation Expert Panel, ClinGen
Classification: Likely pathogenic for Juvenile retinoschisis. Last evaluated: 2025-05-19. Review status: reviewed by expert panel. Criteria: ClinGen X LinkedIRD ACMG Specifications RS1 V1.0.0. Collection method: curation. Allele origin: germline. Inheritance: X-linked inheritance.
Comment: The NM_000330.4(RS1):c.53-713_78+266del variant is a frameshift variant due to 1005 nucleotide deletion resulting in exon 2 deletion and leading to nonsense mediated decay. This variant is absent from hemizygous individuals in gnomAD v4.1.0 (PM2_Supporting). This is a frameshift variant that introduces a premature stop codon between amino acids 1-223 that is predicted to either trigger nonsense-mediated decay or to disrupt a critical C-terminal region required for proper multimerization of RS1 (PVS1, PMID: 19849666). However, PS4_Supporting requires at least 2 unrelated probands, so this criterion was not met. The variant has been reported to segregate with retinal dystrophy through 1 meiosis in a family (PMID: 33546218), however, it is not clear whether the proband's family member was affected, so the PP1 code is not met. In summary, this variant is classified as likely pathogenic for X-linked retinoschisis based on the ClinGen X-linked Inherited Retinal Disease Expert Panel Specifications to the ACMG/AMP Variant Interpretation Guidelines for RS1 Version 1.0.0: PM2_supporting and PVS1 (date of approval 01/24/2025).

Institute of Medical Molecular Genetics, University of Zurich
Classification: Likely pathogenic for Juvenile retinoschisis. Last evaluated: 2021-01-30. Review status: criteria provided, single submitter. Criteria: ACMG Guidelines, 2015. Collection method: clinical testing. Allele origin: germline. Affected: yes. Not counted in ClinVar's aggregate classification.

NM_000330.4(RS1):c.53-713_78+266del

Gene: RS1 (retinoschisin 1; minus strand). Cytogenetic location: Xp22.13.
Variant type: Deletion.
Coding change: c.53-713_78+266del on transcript NM_000330.4 (MANE Select); 713 bases into the intron before coding-DNA position 53 through 266 bases into the intron after coding-DNA position 78, 1,005 bases deleted.
Molecular consequence: splice acceptor variant, splice donor variant.
Genome position (GRCh38, 1-based): chrX:18,657,374-18,658,378, 1,005 bases deleted. GRCh37 (hg19): chrX:18,675,498-18,676,502.
Identifiers: ClinVar variation 1048161 (VCV001048161.2), ClinGen allele CA2499226544.